The following is an entry in ClinVar:

ClinVar aggregate classification (germline): Benign (1 of 4 stars; one submission).

Allele frequency attached by ClinVar (database versions not stated): 1000 Genomes Project 30x 0.28748; 1000 Genomes Project 0.29413; gnomAD 0.31814 and 0.31822; TOPMed 0.31829.
gnomAD v4.1: 48,604 of 151,706 alleles (32%); highest among the groups gnomAD compares: East Asian, 41%; 8,509 homozygotes.

Submission:

GeneDx
Classification: Benign. Last evaluated: 2018-06-14. Review status: criteria provided, single submitter. Criteria: GeneDx Variant Classification (06012015). Collection method: clinical testing. Allele origin: germline. Affected: yes.
Comment: This variant is considered likely benign or benign based on one or more of the following criteria: it is a conservative change, it occurs at a poorly conserved position in the protein, it is predicted to be benign by multiple in silico algorithms, and/or has population frequency not consistent with disease.

NM_005359.6(SMAD4):c.-127-306G>A

Gene: SMAD4 (SMAD family member 4; plus strand). Cytogenetic location: 18q21.2.
Variant type: single nucleotide variant.
Coding change: c.-127-306G>A on transcript NM_005359.6 (MANE Select); 306 bases into the intron before 127 bases upstream of the start codon, G replaced by A.
Molecular consequence: intron variant.
Genome position (GRCh38, 1-based): chr18:51,046,614, G>A. VCF-style: chr18-51046614-G-A. GRCh37 (hg19) VCF-style: chr18-48572984-G-A.
Identifiers: ClinVar variation 680783 (VCV000680783.1), dbSNP rs67325153, ClinGen allele CA15921437.
Genomic context (GRCh38, chr18:51,046,614, plus strand): 5'-TAACTAGTGCTGATCCTCATAAGTAATCCTTTAAAAAAGTGCTGGTAAGATTTTCCTTTA[G>A]GGTGACTAGTAAAGTCAGTAAGACTTGATTGAGCATGCCACTATCATAATGAGAAGACCT-3'